The following is an entry in ClinVar:

NM_152594.3(SPRED1):c.225G>T (p.Met75Ile)

Gene: SPRED1 (sprouty related EVH1 domain containing 1; plus strand). Cytogenetic location: 15q14.
Variant type: single nucleotide variant.
Coding change: c.225G>T on transcript NM_152594.3 (MANE Select); coding-DNA position 225, G replaced by T.
Protein change: p.Met75Ile; replaces methionine 75 with isoleucine.
Molecular consequence: missense variant.
Genome position (GRCh38, 1-based): chr15:38,322,258, G>T. VCF-style: chr15-38322258-G-T. GRCh37 (hg19) VCF-style: chr15-38614459-G-T.
Other names: short protein forms M75I.
Identifiers: ClinVar variation 5030106 (VCV005030106.1).

ClinVar aggregate classification (germline): Uncertain significance (1 of 4 stars; one submission).

Conditions:
Cardiovascular phenotype. Identifiers: MedGen CN230736.

Submission:

Ambry Genetics
Classification: Uncertain significance for Cardiovascular phenotype. Last evaluated: 2026-06-30. Review status: criteria provided, single submitter. Criteria: Ambry Variant Classification Scheme 2023. Collection method: clinical testing. Allele origin: germline.
Comment: The p.M75I variant (also known as c.225G>T), located in coding exon 3 of the SPRED1 gene, results from a G to T substitution at nucleotide position 225. The methionine at codon 75 is replaced by isoleucine, an amino acid with highly similar properties. This amino acid position is conserved. In addition, the in silico prediction for this alteration is inconclusive. Based on the available evidence, the clinical significance of this variant remains unclear.